The following is an entry in ClinVar:

ClinVar aggregate classification (germline): Pathogenic (1 of 4 stars; one submission).

Allele frequency attached by ClinVar (database versions not stated): gnomAD exomes below 0.00001; ExAC 0.00001; gnomAD 0.00001.
gnomAD v4.1: 3 of 1,614,060 alleles (0.00019%); highest among the groups gnomAD compares: East Asian, 0.0067%; no homozygotes.

Submission:

Labcorp Genetics (formerly Invitae), Labcorp
Classification: Pathogenic. Last evaluated: 2023-09-08. Review status: criteria provided, single submitter. Criteria: Invitae Variant Classification Sherloc (09022015). Collection method: clinical testing. Allele origin: germline.
Comment: For these reasons, this variant has been classified as Pathogenic. Algorithms developed to predict the effect of sequence changes on RNA splicing suggest that this variant may disrupt the consensus splice site. This variant has not been reported in the literature in individuals affected with COX15-related conditions. This variant is present in population databases (rs756368998, gnomAD 0.02%). This sequence change creates a premature translational stop signal (p.Tyr169*) in the COX15 gene. It is expected to result in an absent or disrupted protein product. Loss-of-function variants in COX15 are known to be pathogenic (PMID: 15863660, 21412973).

Literature cited by the submitters: PubMed 15863660; PubMed 21412973.

NM_078470.6(COX15):c.507C>G (p.Tyr169Ter)

Gene: COX15 (cytochrome c oxidase assembly factor COX15; minus strand). Cytogenetic location: 10q24.2.
Variant type: single nucleotide variant.
Coding change: c.507C>G on transcript NM_078470.6 (MANE Select); coding-DNA position 507, C replaced by G.
Protein change: p.Tyr169Ter; replaces tyrosine 169 with a stop codon.
Molecular consequence: nonsense. On other transcripts: 5 prime UTR variant (1), non-coding transcript variant (1).
Genome position (GRCh38, 1-based): chr10:99,727,043, G>C on the plus strand (C>G on the coding strand, the complement: COX15 is on the minus strand). VCF-style: chr10-99727043-G-C. GRCh37 (hg19) VCF-style: chr10-101486800-G-C.
Other names: c.507C>G, p.Tyr169Ter (NM_001320974.2, NM_001320975.2, NM_001372024.1 and 5 more transcripts); c.-31C>G (NM_001320976.2); short protein forms Y169*.
Identifiers: ClinVar variation 2880772 (VCV002880772.4), dbSNP rs756368998, ClinGen allele CA5642251.